The following is an entry in ClinVar:

ClinVar aggregate classification (germline): Pathogenic. Review status: criteria provided, multiple submitters, no conflicts (2 of 4 stars). 2 submissions from 2 submitters: Pathogenic (2). Last evaluated 2023-06-17.

Conditions:
Cardiovascular phenotype. Identifiers: MedGen CN230736.
Hypertrophic cardiomyopathy. Also called: HYPERTROPHIC MYOCARDIOPATHY. Identifiers: Orphanet 217569, MedGen C0007194, MeSH D002312, MONDO:0005045, HP:0001639.

Submissions (2):

Labcorp Genetics (formerly Invitae), Labcorp
Classification: Pathogenic for Hypertrophic cardiomyopathy. Last evaluated: 2023-06-17. Review status: criteria provided, single submitter. Criteria: Invitae Variant Classification Sherloc (09022015). Collection method: clinical testing. Allele origin: germline.
Comment: For these reasons, this variant has been classified as Pathogenic. ClinVar contains an entry for this variant (Variation ID: 1794150). This variant has not been reported in the literature in individuals affected with MYBPC3-related conditions. This variant is not present in population databases (gnomAD no frequency). This sequence change creates a premature translational stop signal (p.Ser882Argfs*3) in the MYBPC3 gene. It is expected to result in an absent or disrupted protein product. Loss-of-function variants in MYBPC3 are known to be pathogenic (PMID: 19574547).

Ambry Genetics
Classification: Pathogenic for Cardiovascular phenotype. Last evaluated: 2022-10-13. Review status: criteria provided, single submitter. Criteria: Ambry Variant Classification Scheme 2023. Collection method: clinical testing. Allele origin: germline.
Comment: The c.2639_2642dupACGT pathogenic mutation, located in coding exon 26 of the MYBPC3 gene, results from a duplication of ACGT at nucleotide position 2639, causing a translational frameshift with a predicted alternate stop codon (p.S882Rfs*3). This alteration is expected to result in loss of function by premature protein truncation or nonsense-mediated mRNA decay. As such, this alteration is interpreted as a disease-causing mutation.

Literature cited by the submitters: PubMed 19574547 (cited by Labcorp Genetics (formerly Invitae), Labcorp).

NM_000256.3(MYBPC3):c.2639_2642dup (p.Ser882fs)

Gene: MYBPC3 (myosin binding protein C3; minus strand). Cytogenetic location: 11p11.2.
Variant type: Duplication.
Coding change: c.2639_2642dup on transcript NM_000256.3 (MANE Select); coding-DNA positions 2639 to 2642, 4 bases duplicated (ACGT; older notation c.2639_2642dupACGT).
Protein change: p.Ser882fs; shifts the reading frame from serine 882.
Molecular consequence: frameshift variant.
Genome position (GRCh38, 1-based): chr11:47,335,972-47,335,975, ACGT duplicated on the plus strand (ACGT on the coding strand, the reverse complement: MYBPC3 is on the minus strand). VCF-style (leftmost placement, unchanged base first): chr11-47335971-G-GACGT. GRCh37 (hg19) VCF-style: chr11-47357522-G-GACGT.
Other names: c.2639_2642dupACGT (NM_000256.3); short protein forms S882fs.
Identifiers: ClinVar variation 1794150 (VCV001794150.5), dbSNP rs2495746525, ClinGen allele CA915940851.
Genomic context (GRCh38, chr11:47,335,971, plus strand): 5'-CAGGCCTCCTGCTCCCACGCGCTCTGGGGGCCGCCACTTGAGGGAGACCGTGGTGTCAGA[G>GACGT]ACGTCCTCTACTGCCAGGTGGGTGGGTTCGCTGGGGGGACCTGGGCAGAGGAGAGGTCAG-3'